The following is an entry in ClinVar:

NM_015338.6(ASXL1):c.287C>G (p.Thr96Arg)

Gene: ASXL1 (ASXL transcriptional regulator 1; plus strand). Cytogenetic location: 20q11.21.
Variant type: single nucleotide variant.
Coding change: c.287C>G on transcript NM_015338.6 (MANE Select); coding-DNA position 287, C replaced by G.
Protein change: p.Thr96Arg; replaces threonine 96 with arginine.
Molecular consequence: missense variant.
Genome position (GRCh38, 1-based): chr20:32,428,162, C>G. VCF-style: chr20-32428162-C-G. GRCh37 (hg19) VCF-style: chr20-31015965-C-G.
Other names: c.257C>G, p.Thr86Arg (NM_001363734.1); short protein forms T96R, T86R.
Identifiers: ClinVar variation 3440067 (VCV003440067.2).

ClinVar aggregate classification (germline): Uncertain significance (1 of 4 stars; one submission).

Conditions:
Inborn genetic diseases. Identifiers: MedGen C0950123, MeSH D030342.

Submission:

Ambry Genetics
Classification: Uncertain significance for Inborn genetic diseases. Last evaluated: 2025-05-09. Review status: criteria provided, single submitter. Criteria: Ambry Variant Classification Scheme 2023. Collection method: clinical testing. Allele origin: germline.
Comment: The p.T96R variant (also known as c.287C>G), located in coding exon 5 of the ASXL1 gene, results from a C to G substitution at nucleotide position 287. The threonine at codon 96 is replaced by arginine, an amino acid with similar properties. This amino acid position is conserved. In addition, this alteration is predicted to be tolerated by in silico analysis. Based on the available evidence, the clinical significance of this variant remains unclear.